The following is an entry in ClinVar:

NM_152594.3(SPRED1):c.584T>A (p.Ile195Lys)

Gene: SPRED1 (sprouty related EVH1 domain containing 1; plus strand). Cytogenetic location: 15q14.
Variant type: single nucleotide variant.
Coding change: c.584T>A on transcript NM_152594.3 (MANE Select); coding-DNA position 584, T replaced by A.
Protein change: p.Ile195Lys; replaces isoleucine 195 with lysine.
Molecular consequence: missense variant.
Genome position (GRCh38, 1-based): chr15:38,349,423, T>A. VCF-style: chr15-38349423-T-A. GRCh37 (hg19) VCF-style: chr15-38641624-T-A.
Other names: c.584T>A (NM_152594.2); short protein forms I195K.
Identifiers: ClinVar variation 2737670 (VCV002737670.11), dbSNP rs1166488554, ClinGen allele CA391932769.

ClinVar aggregate classification (germline): Uncertain significance. Review status: criteria provided, multiple submitters, no conflicts (2 of 4 stars). 3 submissions from 3 submitters: Uncertain significance (3). Last evaluated 2025-08-13.

Conditions:
Cardiovascular phenotype. Identifiers: MedGen CN230736.
Legius syndrome. Identifiers: Orphanet 137605, MedGen C1969623, MONDO:0012669, OMIM 611431. Disease mechanism: loss of function.

gnomAD v4.1: 4 of 1,607,964 alleles (0.00025%); highest among the groups gnomAD compares: Admixed American, 0.0017%; no homozygotes.

Submissions (3):

Ambry Genetics
Classification: Uncertain significance for Cardiovascular phenotype. Last evaluated: 2025-08-13. Review status: criteria provided, single submitter. Criteria: Ambry Variant Classification Scheme 2023. Collection method: clinical testing. Allele origin: germline.

CeGaT Center for Human Genetics Tuebingen
Classification: Uncertain significance. Last evaluated: 2025-03-01. Review status: criteria provided, single submitter. Criteria: CeGaT Center For Human Genetics Tuebingen Variant Classification Criteria Version 2. Collection method: clinical testing. Allele origin: germline. Affected: yes. Observed: 1 variant allele.
Comment: SPRED1: PM2

Labcorp Genetics (formerly Invitae), Labcorp
Classification: Uncertain significance for Legius syndrome. Last evaluated: 2023-11-20. Review status: criteria provided, single submitter. Criteria: Invitae Variant Classification Sherloc (09022015). Collection method: clinical testing. Allele origin: germline.
Comment: This sequence change replaces isoleucine, which is neutral and non-polar, with lysine, which is basic and polar, at codon 195 of the SPRED1 protein (p.Ile195Lys). This variant is not present in population databases (gnomAD no frequency). This variant has not been reported in the literature in individuals affected with SPRED1-related conditions. An algorithm developed to predict the effect of missense changes on protein structure and function (PolyPhen-2) suggests that this variant is likely to be tolerated. In summary, the available evidence is currently insufficient to determine the role of this variant in disease. Therefore, it has been classified as a Variant of Uncertain Significance.